The following is an entry in ClinVar:

NM_000719.7(CACNA1C):c.6328G>T (p.Gly2110Cys)

Genes: CACNA1C (calcium voltage-gated channel subunit alpha1 C; plus strand), CACNA1C-AS1 (CACNA1C antisense RNA 1; minus strand). Cytogenetic location: 12p13.33.
Variant type: single nucleotide variant.
Coding change: c.6328G>T on transcript NM_000719.7 (MANE Select); coding-DNA position 6328, G replaced by T.
Protein change: p.Gly2110Cys; replaces glycine 2110 with cysteine.
Molecular consequence: missense variant. On other transcripts: non-coding transcript variant (1).
Genome position (GRCh38, 1-based): chr12:2,691,110, G>T. VCF-style: chr12-2691110-G-T. GRCh37 (hg19) VCF-style: chr12-2800276-G-T.
Other names: c.6472G>T, p.Gly2158Cys (NM_001129827.2); c.6451G>T, p.Gly2151Cys (NM_001129829.2); c.6433G>T, p.Gly2145Cys (NM_001129830.3, NM_001167624.3); c.6412G>T, p.Gly2138Cys (NM_001129831.2); c.6388G>T, p.Gly2130Cys (NM_001129832.2); c.6385G>T, p.Gly2129Cys (NM_001129833.2, NM_001129834.2, NM_001129835.2); c.6379G>T, p.Gly2127Cys (NM_001129836.2); c.6352G>T, p.Gly2118Cys (NM_001129837.2, NM_001129838.2); and 6 more; short protein forms G2099C, G2110C, G2118C, G2151C, G2158C, G2107C, G2116C, G2127C.
Identifiers: ClinVar variation 851772 (VCV000851772.11), dbSNP rs778550803, ClinGen allele CA383387337.

ClinVar aggregate classification (germline): Uncertain significance. Review status: criteria provided, multiple submitters, no conflicts (2 of 4 stars). 2 submissions from 2 submitters: Uncertain significance (2). Last evaluated 2025-03-04.

Conditions:
Timothy syndrome (TS). Also called: LONG QT SYNDROME WITH SYNDACTYLY. Identifiers: Orphanet 65283, MedGen C1832916, MeSH C536962, MONDO:0010979, OMIM 601005.
Long QT syndrome (LQTS). Identifiers: MedGen C0023976, MeSH D008133, MONDO:0002442. Disease mechanism: loss of function. Inheritance: Various modes of inheritance.

Allele frequency attached by ClinVar (database versions not stated): gnomAD 0.00001; TOPMed 0.00001.
gnomAD v4.1: 12 of 1,612,102 alleles (0.00074%); highest among the groups gnomAD compares: Non-Finnish European, 0.001%; no homozygotes.

Submissions (2):

Labcorp Genetics (formerly Invitae), Labcorp
Classification: Uncertain significance for Long QT syndrome. Last evaluated: 2025-03-04. Review status: criteria provided, single submitter. Criteria: Invitae Variant Classification Sherloc (09022015). Collection method: clinical testing. Allele origin: germline.
Comment: This sequence change replaces glycine, which is neutral and non-polar, with cysteine, which is neutral and slightly polar, at codon 2110 of the CACNA1C protein (p.Gly2110Cys). This variant is present in population databases (no rsID available, gnomAD 0.002%). This variant has not been reported in the literature in individuals affected with CACNA1C-related conditions. ClinVar contains an entry for this variant (Variation ID: 851772). Invitae Evidence Modeling of protein sequence and biophysical properties (such as structural, functional, and spatial information, amino acid conservation, physicochemical variation, residue mobility, and thermodynamic stability) indicates that this missense variant is not expected to disrupt CACNA1C protein function with a negative predictive value of 95%. In summary, the available evidence is currently insufficient to determine the role of this variant in disease. Therefore, it has been classified as a Variant of Uncertain Significance.

Victorian Clinical Genetics Services, Murdoch Childrens Research Institute
Classification: Uncertain significance for Timothy syndrome. Last evaluated: 2021-05-06. Review status: criteria provided, single submitter. Criteria: ACMG Guidelines, 2015. Collection method: clinical testing. Allele origin: germline. Inheritance: Autosomal dominant inheritance. Affected: yes.
Comment: Based on the classification scheme VCGS_Germline_v1.3.4, this variant is classified as VUS-3B. Following criteria are met: 0101 - Gain of function is a known mechanism of disease in this gene and is associated with Long QT syndrome 8 (MIM #618447), and Timothy syndrome (MIM#601005). Missense variants result in loss of channel inactivation, and increased current (OMIM, PMID: 25260352). (I) 0107 - This gene is associated with autosomal dominant disease. (I) 0200 - Variant is predicted to result in a missense amino acid change from glycine to cysteine. (I) 0251 - This variant is heterozygous. (I) 0302 - Variant is present in gnomAD (v2) <0.001 for a dominant condition (4 heterozygotes, 0 homozygotes). (SP) 0309 - An alternative amino acid change at the same position has been observed in gnomAD (v3) (4 heterozygotes, 0 homozygotes). (I) 0502 - Missense variant with conflicting in silico predictions and uninformative conservation. (I) 0604 - Variant is not located in an established domain, motif, hotspot or informative constraint region. (I) 0710 - Another missense variant comparable to the one identified in this case has inconclusive previous evidence for pathogenicity. This alternative change (p.Gly2110Asp) has been reported as a VUS (LOVD). (I) 0809 - Previous evidence of pathogenicity for this variant is inconclusive. This variant has been reported as a VUS (ClinVar). (I) 0905 - No published segregation evidence has been identified for this variant. (I) 1007 - No published functional evidence has been identified for this variant. (I) 1208 - Inheritance information for this variant is not currently available in this individual. (I) Legend: (SP) - Supporting pathogenic, (I) - Information, (SB) - Supporting benign

Literature cited by the submitters: PubMed 25260352 (cited by Victorian Clinical Genetics Services, Murdoch Childrens Research Institute).